The following is an entry in ClinVar:

NM_004187.5(KDM5C):c.3695T>G (p.Leu1232Arg)

Gene: KDM5C (lysine demethylase 5C; minus strand). Cytogenetic location: Xp11.22.
Variant type: single nucleotide variant.
Coding change: c.3695T>G on transcript NM_004187.5 (MANE Select); coding-DNA position 3695, T replaced by G.
Protein change: p.Leu1232Arg; replaces leucine 1232 with arginine.
Molecular consequence: missense variant. On other transcripts: non-coding transcript variant (3).
Genome position (GRCh38, 1-based): chrX:53,194,482, A>C on the plus strand (T>G on the coding strand, the complement: KDM5C is on the minus strand). VCF-style: chrX-53194482-A-C. GRCh37 (hg19) VCF-style: chrX-53223664-A-C.
Other names: c.3494T>G, p.Leu1165Arg (NM_001146702.2); c.3692T>G, p.Leu1231Arg (NM_001282622.3, NM_001353979.2, NM_001353982.2); c.3695T>G, p.Leu1232Arg (NM_001353978.3, NM_001353981.2, NM_001353984.2); c.3695T>G (NM_004187.2); short protein forms L1165R, L1231R, L1232R.
Identifiers: ClinVar variation 3614456 (VCV003614456.3).

ClinVar aggregate classification (germline): Uncertain significance. Review status: criteria provided, multiple submitters, no conflicts (2 of 4 stars). 2 submissions from 2 submitters: Uncertain significance (2). Last evaluated 2024-12-13.

Conditions:
Spastic paraplegia. Identifiers: MedGen C0037772, HP:0001258.

Submissions (2):

GeneDx
Classification: Uncertain significance. Last evaluated: 2024-12-13. Review status: criteria provided, single submitter. Criteria: GeneDx Variant Classification Process June 2021. Collection method: clinical testing. Allele origin: germline. Affected: yes.
Comment: Not observed at significant frequency in large population cohorts (gnomAD); In silico analysis indicates that this missense variant does not alter protein structure/function; Has not been previously published as pathogenic or benign to our knowledge

Labcorp Genetics (formerly Invitae), Labcorp
Classification: Uncertain significance for Spastic paraplegia. Last evaluated: 2024-12-13. Review status: criteria provided, single submitter. Criteria: Invitae Variant Classification Sherloc (09022015). Collection method: clinical testing. Allele origin: germline.
Comment: This sequence change replaces leucine, which is neutral and non-polar, with arginine, which is basic and polar, at codon 1232 of the KDM5C protein (p.Leu1232Arg). This variant is not present in population databases (gnomAD no frequency). This variant has not been reported in the literature in individuals affected with KDM5C-related conditions. Invitae Evidence Modeling of protein sequence and biophysical properties (such as structural, functional, and spatial information, amino acid conservation, physicochemical variation, residue mobility, and thermodynamic stability) indicates that this missense variant is not expected to disrupt KDM5C protein function with a negative predictive value of 95%. In summary, the available evidence is currently insufficient to determine the role of this variant in disease. Therefore, it has been classified as a Variant of Uncertain Significance.